The following is an entry in ClinVar:

NM_017780.4(CHD7):c.775del (p.His259fs)

Gene: CHD7 (chromodomain helicase DNA binding protein 7; plus strand). Cytogenetic location: 8q12.2.
Variant type: Deletion.
Coding change: c.775del on transcript NM_017780.4 (MANE Select); coding-DNA position 775, one base deleted (C; older notation c.775delC).
Protein change: p.His259fs; shifts the reading frame from histidine 259.
Molecular consequence: frameshift variant.
Genome position (GRCh38, 1-based): chr8:60,742,207, C deleted; the last of 2 consecutive C bases (chr8:60,742,206-60,742,207); deleting either gives the same sequence. VCF-style (leftmost placement, unchanged base first): chr8-60742205-AC-A. GRCh37 (hg19) VCF-style: chr8-61654764-AC-A.
Other names: c.775del, p.His259fs (NM_001316690.1); short protein forms H259fs.
Identifiers: ClinVar variation 993936 (VCV000993936.8), dbSNP rs1809069833, ClinGen allele CA1139660586.

ClinVar aggregate classification (germline): Pathogenic (1 of 4 stars; one submission).

Submission:

ARUP Laboratories, Molecular Genetics and Genomics, ARUP Laboratories
Classification: Pathogenic. Last evaluated: 2019-11-22. Review status: criteria provided, single submitter. Criteria: ARUP Molecular Germline Variant Investigation Process. Collection method: clinical testing. Allele origin: germline.
Comment: The CHD7 c.775delC; p.His259fs variant, to our knowledge, is not reported in the medical literature or gene specific databases. This variant is also absent from general population databases (Exome Variant Server, Genome Aggregation Database), indicating it is not a common polymorphism. This variant causes a frameshift by deleting a single nucleotide, so it is predicted to result in a truncated protein or mRNA subject to nonsense-mediated decay. Additionally, several downstream truncating variants have been identified in individuals with CHARGE syndrome and are considered pathogenic (Bartels 2010, Janssen 2012). Based on available information, this variant is considered to be pathogenic. References: Bartels CF et al. Mutations in the CHD7 gene: the experience of a commercial laboratory. Genet Test Mol Biomarkers. 2010 Dec;14(6):881-91. Janssen N et al. Mutation update on the CHD7 gene involved in CHARGE syndrome. Hum Mutat. 2012 Aug;33(8):1149-60.